The following is an entry in ClinVar:

ClinVar aggregate classification (germline): Uncertain significance (1 of 4 stars; one submission).

Conditions:
Congenital neutropenia-myelofibrosis-nephromegaly syndrome. Also called: Severe congenital neutropenia 5, autosomal recessive. Identifiers: Orphanet 369852, MedGen C3809031, MONDO:0014118, OMIM 615285.

Allele frequency attached by ClinVar (database versions not stated): gnomAD 0.00001.
gnomAD v4.1: 1 of 1,613,916 alleles (0.000062%); highest among the groups gnomAD compares: African/African-American, 0.0013%; no homozygotes.

Submission:

Labcorp Genetics (formerly Invitae), Labcorp
Classification: Uncertain significance for Congenital neutropenia-myelofibrosis-nephromegaly syndrome. Last evaluated: 2021-02-16. Review status: criteria provided, single submitter. Criteria: Invitae Variant Classification Sherloc (09022015). Collection method: clinical testing. Allele origin: germline.
Comment: In summary, the available evidence is currently insufficient to determine the role of this variant in disease. Therefore, it has been classified as a Variant of Uncertain Significance. Algorithms developed to predict the effect of missense changes on protein structure and function (SIFT, PolyPhen-2, Align-GVGD) all suggest that this variant is likely to be tolerated, but these predictions have not been confirmed by published functional studies and their clinical significance is uncertain. This variant has not been reported in the literature in individuals with VPS45-related conditions. This variant is not present in population databases (ExAC no frequency). This sequence change replaces glutamic acid with lysine at codon 381 of the VPS45 protein (p.Glu381Lys). The glutamic acid residue is moderately conserved and there is a small physicochemical difference between glutamic acid and lysine.

NM_007259.5(VPS45):c.1141G>A (p.Glu381Lys)

Gene: VPS45 (vacuolar protein sorting 45 homolog; plus strand). Cytogenetic location: 1q21.2.
Variant type: single nucleotide variant.
Coding change: c.1141G>A on transcript NM_007259.5 (MANE Select); coding-DNA position 1141, G replaced by A.
Protein change: p.Glu381Lys; replaces glutamic acid 381 with lysine.
Molecular consequence: missense variant. On other transcripts: non-coding transcript variant (1).
Genome position (GRCh38, 1-based): chr1:150,091,973, G>A. VCF-style: chr1-150091973-G-A. GRCh37 (hg19) VCF-style: chr1-150064067-G-A.
Other names: c.826G>A, p.Glu276Lys (NM_001279353.2); c.1033G>A, p.Glu345Lys (NM_001279354.2); short protein forms E381K, E276K, E345K.
Identifiers: ClinVar variation 1411706 (VCV001411706.8), dbSNP rs1656346466, ClinGen allele CA342255140.